The following is an entry in ClinVar:

ClinVar aggregate classification (germline): Likely pathogenic (0 of 4 stars; one submission).

Conditions:
PIBF1-related disorder. Also called: PIBF1-related condition.

Submission:

PreventionGenetics, part of Exact Sciences
Classification: Likely pathogenic for PIBF1-related condition. Last evaluated: 2024-01-31. Review status: no assertion criteria provided. Collection method: clinical testing. Allele origin: germline.
Comment: The PIBF1 c.802_803delAA variant is predicted to result in a frameshift and premature protein termination (p.Lys268Glufs*2). To our knowledge, this variant has not been reported in the literature or in a large population database, indicating this variant is rare. Frameshift variants in PIBF1 are expected to be pathogenic. This variant is interpreted as likely pathogenic.

NM_006346.4(PIBF1):c.802_803del (p.Lys268fs)

Gene: PIBF1 (progesterone immunomodulatory binding factor 1; plus strand). Cytogenetic location: 13q22.1.
Variant type: Deletion.
Coding change: c.802_803del on transcript NM_006346.4 (MANE Select); coding-DNA positions 802 to 803, 2 bases deleted (AA; older notation c.802_803delAA).
Protein change: p.Lys268fs; shifts the reading frame from lysine 268.
Molecular consequence: frameshift variant. On other transcripts: non-coding transcript variant (2).
Genome position (GRCh38, 1-based): chr13:72,821,978-72,821,979, AA deleted. VCF-style (leftmost placement, unchanged base first): chr13-72821977-CAA-C. GRCh37 (hg19) VCF-style: chr13-73396115-CAA-C.
Other names: c.802_803del, p.Lys268fs (NM_001349655.2); short protein forms K268fs.
Identifiers: ClinVar variation 3030435 (VCV003030435.2), dbSNP rs2501798819, ClinGen allele CA2740097678.